The following is an entry in ClinVar:

NM_001040142.2(SCN2A):c.3995G>C (p.Gly1332Ala)

Gene: SCN2A (sodium voltage-gated channel alpha subunit 2; plus strand). Cytogenetic location: 2q24.3.
Variant type: single nucleotide variant.
Coding change: c.3995G>C on transcript NM_001040142.2 (MANE Select); coding-DNA position 3995, G replaced by C.
Protein change: p.Gly1332Ala; replaces glycine 1332 with alanine.
Molecular consequence: missense variant.
Genome position (GRCh38, 1-based): chr2:165,374,707, G>C. VCF-style: chr2-165374707-G-C. GRCh37 (hg19) VCF-style: chr2-166231217-G-C.
Other names: c.3995G>C, p.Gly1332Ala (NM_001040143.2, NM_001371246.1, NM_001371247.1 and 1 more transcripts); short protein forms G1332A.
Identifiers: ClinVar variation 450844 (VCV000450844.2), dbSNP rs1553593589, ClinGen allele CA349030238.
Genomic context (GRCh38, chr2:165,374,707, plus strand): 5'-TGGCTTTTCACTTATTTTTCCTTCTCATCCTGTGCCAGGTTGTTGTAAATGCTCTTTTAG[G>C]AGCCATTCCATCTATCATGAATGTACTTCTGGTTTGTCTGATCTTTTGGCTAATATTCAG-3'
Protein context (NP_001035232.1, residues 1322-1342): GMRVVVNALL[Gly1332Ala]AIPSIMNVLL

ClinVar aggregate classification (germline): Likely pathogenic (1 of 4 stars; one submission).

Submission:

GeneDx
Classification: Likely pathogenic. Last evaluated: 2017-07-21. Review status: criteria provided, single submitter. Criteria: GeneDx Variant Classification (06012015). Collection method: clinical testing. Allele origin: germline. Affected: yes.
Comment: A variant that is likely pathogenic has been identified in the SCN2A gene. The G1332A variant has not been published as a pathogenic variant, nor has it been reported as a benign variant to our knowledge. The G1332A variant is not observed in large population cohorts (Lek et al., 2016; 1000 Genomes Consortium et al., 2015; Exome Variant Server). The G1332A variant is a conservative amino acid substitution, which is not likely to impact secondary protein structure as these residues share similar properties. However, this substitution alters a conserved position that is predicted to be within the intracellular loop between the S4 and S5 transmembrane segments of the third homologous domain. Additionally, in silico analysis predicts this variant is probably damaging to the protein structure/function. Furtherrmore, missense variants in nearby residues (L1330F, S1336Y) have been reported in the Human Gene Mutation Database in association with SCN2A-related disorders (Stenson et al., 2014). Therefore, this variant is likely pathogenic; however, the possibility that it is benign cannot be excluded.